The following is an entry in ClinVar:

ClinVar aggregate classification (germline): Conflicting classifications of pathogenicity. Review status: criteria provided, conflicting classifications (1 of 4 stars). 6 submissions from 6 submitters: Pathogenic (1); Uncertain significance (5). Last evaluated 2025-12-22.

Conditions:
Phosphoenolpyruvate carboxykinase deficiency, mitochondrial. Also called: PCK2 DEFICIENCY; PEPCK2 DEFICIENCY. Identifiers: Orphanet 2880, MedGen C1849821, MONDO:0009864, OMIM 261650.
Retinitis pigmentosa 27 (RP27). Identifiers: Orphanet 791, MedGen C1834329, MONDO:0013402, OMIM 613750.

Allele frequency attached by ClinVar (database versions not stated): ExAC 0.00005; gnomAD 0.00005; gnomAD exomes 0.00008 and 0.00009; TOPMed 0.00008.
gnomAD v4.1: 136 of 1,614,066 alleles (0.0084%); highest among the groups gnomAD compares: Middle Eastern, 0.23%; 2 homozygotes.

Submissions (6):

Labcorp Genetics (formerly Invitae), Labcorp
Classification: Uncertain significance. Last evaluated: 2025-12-22. Review status: criteria provided, single submitter. Criteria: Invitae Variant Classification Sherloc (09022015). Collection method: clinical testing. Allele origin: germline.
Comment: This sequence change creates a premature translational stop signal (p.Arg193*) in the PCK2 gene. It is expected to result in an absent or disrupted protein product. However, the current clinical and genetic evidence is not sufficient to establish whether loss-of-function variants in PCK2 cause disease. This variant is present in population databases (rs753706965, gnomAD 0.01%). This variant has not been reported in the literature in individuals affected with PCK2-related conditions. ClinVar contains an entry for this variant (Variation ID: 451808). In summary, the available evidence is currently insufficient to determine the role of this variant in disease. Therefore, it has been classified as a Variant of Uncertain Significance.

Blueprint Genetics
Classification: Uncertain significance. Last evaluated: 2024-09-20. Review status: criteria provided, single submitter. Criteria: ACMG Guidelines, 2015. Collection method: clinical testing. Allele origin: germline.

Genomic Medicine Center of Excellence, King Faisal Specialist Hospital and Research Centre
Classification: Uncertain significance for Retinitis pigmentosa 27. Last evaluated: 2024-04-04. Review status: criteria provided, single submitter. Criteria: ACMG Guidelines, 2015. Collection method: clinical testing. Allele origin: germline.

GeneDx
Classification: Uncertain significance. Last evaluated: 2018-05-09. Review status: criteria provided, single submitter. Criteria: GeneDx Variant Classification (06012015). Collection method: clinical testing. Allele origin: germline. Affected: yes.
Comment: The R193X variant in the PCK2 gene has not been reported previously as a pathogenic variant nor as a benign variant, to our knowledge. This variant is predicted to cause loss of normal protein function either through protein truncation or nonsense-mediated mRNA decay. The R193X variant is not observed at a significant frequency in large population cohorts (Lek et al., 2016; 1000 Genomes Consortium et al., 2015; Exome Variant Server). We interpret R193X as a variant of uncertain significance.

Eurofins Ntd Llc (ga)
Classification: Uncertain significance. Last evaluated: 2018-04-09. Review status: criteria provided, single submitter. Criteria: EGL ClinVar v180209 classification definitions. Collection method: clinical testing. Allele origin: germline. Observed: 1 variant allele, 1 heterozygote.

Genomic Research Center, Shahid Beheshti University of Medical Sciences
Classification: Pathogenic for Phosphoenolpyruvate carboxykinase deficiency, mitochondrial. Last evaluated: 2017-12-03. Review status: criteria provided, single submitter. Criteria: ACMG Guidelines, 2015. Collection method: clinical testing. Allele origin: inherited.

NM_004563.4(PCK2):c.577C>T (p.Arg193Ter)

Genes: PCK2 (phosphoenolpyruvate carboxykinase 2, mitochondrial; plus strand), NRL (neural retina leucine zipper; minus strand). Cytogenetic location: 14q11.2.
Variant type: single nucleotide variant.
Coding change: c.577C>T on transcript NM_004563.4 (MANE Select); coding-DNA position 577, C replaced by T.
Protein change: p.Arg193Ter; replaces arginine 193 with a stop codon.
Molecular consequence: nonsense. On other transcripts: intron variant (3).
Genome position (GRCh38, 1-based): chr14:24,098,591, C>T. VCF-style: chr14-24098591-C-T. GRCh37 (hg19) VCF-style: chr14-24567800-C-T.
Other names: c.577C>T, p.Arg193Ter (NM_001018073.3); c.175C>T, p.Arg59Ter (NM_001291556.2, NM_001308054.2); c.-27-15716G>A (NM_001354768.3, NM_001354770.2); c.-253-13846G>A (NM_006177.5); short protein forms R193*, R59*.
Identifiers: ClinVar variation 451808 (VCV000451808.16), dbSNP rs753706965, ClinGen allele CA7123172.